The following is an entry in ClinVar:

NM_030912.3(TRIM8):c.468C>G (p.Cys156Trp)

Gene: TRIM8 (tripartite motif containing 8; plus strand). Cytogenetic location: 10q24.32.
Variant type: single nucleotide variant.
Coding change: c.468C>G on transcript NM_030912.3 (MANE Select); coding-DNA position 468, C replaced by G.
Protein change: p.Cys156Trp; replaces cysteine 156 with tryptophan.
Molecular consequence: missense variant. On other transcripts: non-coding transcript variant (1).
Genome position (GRCh38, 1-based): chr10:102,645,085, C>G. VCF-style: chr10-102645085-C-G. GRCh37 (hg19) VCF-style: chr10-104404842-C-G.
Other names: c.468C>G, p.Cys156Trp (NM_001345950.1); short protein forms C156W.
Identifiers: ClinVar variation 4823388 (VCV004823388.4).
Genomic context (GRCh38, chr10:102,645,085, plus strand): 5'-GGCGGACGACGTGCGGGCCTGGAGCTGCCCGCAGCACAACGCCTACCGCCTCTACCACTG[C>G]GAGGCCGAGCAGGTGGCCGTGTGCCAGTACTGCTGCTACTACAGCGGCGCGCATCAGGGA-3'
Protein context (NP_112174.2, residues 146-166): PQHNAYRLYH[Cys156Trp]EAEQVAVCQY

ClinVar aggregate classification (germline): Uncertain significance (1 of 4 stars; one submission).

Submission:

CeGaT Center for Human Genetics Tuebingen
Classification: Uncertain significance. Last evaluated: 2026-02-01. Review status: criteria provided, single submitter. Criteria: CeGaT Center For Human Genetics Tuebingen Variant Classification Criteria Version 2. Collection method: clinical testing. Allele origin: germline. Affected: yes. Observed: 1 variant allele.
Comment: TRIM8: PM2, PP3